The following is an entry in ClinVar:

ClinVar aggregate classification (germline): Uncertain significance (1 of 4 stars; one submission).

Conditions:
Cardiovascular phenotype. Identifiers: MedGen CN230736.

Submission:

Ambry Genetics
Classification: Uncertain significance for Cardiovascular phenotype. Last evaluated: 2023-06-14. Review status: criteria provided, single submitter. Criteria: Ambry Variant Classification Scheme 2023. Collection method: clinical testing. Allele origin: germline.
Comment: The c.3600_3602delATCinsGTT variant, located in coding exon 8 of the HCN4 gene, results from an in-frame deletion of ATC and insertion of GTT at nucleotide positions 3600 to 3602. This results in the substitution of the serine residue for a phenylalanine residue at codon 1201, an amino acid with highly dissimilar properties. This amino acid position is highly conserved in available vertebrate species. In addition, this alteration is predicted to be neutral by in silico analysis (Choi Y et al. PLoS ONE. 2012; 7(10):e46688). Since supporting evidence is limited at this time, the clinical significance of this alteration remains unclear.

NM_005477.3(HCN4):c.3600_3602delinsGTT (p.Ser1201Phe)

Gene: HCN4 (hyperpolarization activated cyclic nucleotide gated potassium channel 4; minus strand). Cytogenetic location: 15q24.1.
Variant type: Indel.
Coding change: c.3600_3602delinsGTT on transcript NM_005477.3 (MANE Select); coding-DNA positions 3600 to 3602, ATC replaced by GTT.
Protein change: p.Ser1201Phe; replaces serine 1201 with phenylalanine.
Molecular consequence: missense variant.
Genome position (GRCh38, 1-based): chr15:73,322,491-73,322,493, GAT replaced by AAC on the plus strand (ATC replaced by GTT on the coding strand, the reverse complement: HCN4 is on the minus strand). VCF-style: chr15-73322491-GAT-AAC. GRCh37 (hg19) VCF-style: chr15-73614832-GAT-AAC.
Other names: short protein forms S1201F.
Identifiers: ClinVar variation 2565016 (VCV002565016.2), dbSNP rs2549067689, ClinGen allele CA2580613289.